The following is an entry in ClinVar:

NM_000179.3(MSH6):c.1356G>A (p.Met452Ile)

Gene: MSH6 (mutS homolog 6; plus strand). Cytogenetic location: 2p16.3.
Variant type: single nucleotide variant.
Coding change: c.1356G>A on transcript NM_000179.3 (MANE Select); coding-DNA position 1356, G replaced by A.
Protein change: p.Met452Ile; replaces methionine 452 with isoleucine.
Molecular consequence: missense variant.
Genome position (GRCh38, 1-based): chr2:47,799,339, G>A. VCF-style: chr2-47799339-G-A. GRCh37 (hg19) VCF-style: chr2-48026478-G-A.
Other names: c.966G>A, p.Met322Ile (NM_001281492.2); c.450G>A, p.Met150Ile (NM_001281493.2, NM_001281494.2, NM_001406811.1 and 6 more transcripts); c.1452G>A, p.Met484Ile (NM_001406795.1, NM_001406802.1); c.1356G>A, p.Met452Ile (NM_001406796.1, NM_001406798.1, NM_001406800.1 and 4 more transcripts); c.1059G>A, p.Met353Ile (NM_001406797.1, NM_001406801.1, NM_001406805.1 and 10 more transcripts); c.831G>A, p.Met277Ile (NM_001406799.1, NM_001406806.1, NM_001406807.1); c.1278G>A, p.Met426Ile (NM_001406804.1); c.1362G>A, p.Met454Ile (NM_001406813.1); and 1 more; short protein forms M150I, M277I, M353I, M426I, M452I, M454I, M396I, M322I.
Identifiers: ClinVar variation 1770709 (VCV001770709.2), dbSNP rs2530604828, ClinGen allele CA346744715.

ClinVar aggregate classification (germline): Uncertain significance (1 of 4 stars; one submission).

Conditions:
Hereditary cancer-predisposing syndrome. Also called: Hereditary Cancer Syndrome; Hereditary neoplastic syndrome; Neoplastic Syndromes, Hereditary; Tumor predisposition. Identifiers: Orphanet 140162, MedGen C0027672, MeSH D009386, MONDO:0015356.

Submission:

Ambry Genetics
Classification: Uncertain significance for Hereditary cancer-predisposing syndrome. Last evaluated: 2020-07-02. Review status: criteria provided, single submitter. Criteria: Ambry Variant Classification Scheme 2023. Collection method: clinical testing. Allele origin: germline.
Comment: The p.M452I variant (also known as c.1356G>A), located in coding exon 4 of the MSH6 gene, results from a G to A substitution at nucleotide position 1356. The methionine at codon 452 is replaced by isoleucine, an amino acid with highly similar properties. This amino acid position is highly conserved in available vertebrate species. In addition, this alteration is predicted to be deleterious by in silico analysis. Since supporting evidence is limited at this time, the clinical significance of this alteration remains unclear.